The following is an entry in ClinVar:

NM_000478.6(ALPL):c.303_311del (p.Asn102_Asn104del)

Gene: ALPL (alkaline phosphatase, biomineralization associated; plus strand). Cytogenetic location: 1p36.12.
Variant type: Deletion.
Coding change: c.303_311del on transcript NM_000478.6 (MANE Select); coding-DNA positions 303 to 311, 9 bases deleted (CAACACCAA; older notation c.303_311delCAACACCAA).
Protein change: p.Asn102_Asn104del.
Molecular consequence: inframe deletion.
Genome position (GRCh38, 1-based): chr1:21,563,115-21,563,123, CAACACCAA deleted; deleting any 9 consecutive bases within chr1:21,563,114-21,563,123 gives the same sequence; the c. name uses the placement nearest the transcript's 3' end. VCF-style (leftmost placement, unchanged base first): chr1-21563113-TACAACACCA-T. GRCh37 (hg19) VCF-style: chr1-21889606-TACAACACCA-T.
Other names: c.138_146del, p.Asn47_Asn49del (NM_001127501.4); c.72_80del, p.Asn25_Asn27del (NM_001177520.3); c.303_311del, p.Asn102_Asn104del (NM_001369803.2, NM_001369804.2, NM_001369805.2).
Identifiers: ClinVar variation 4086929 (VCV004086929.1).

ClinVar aggregate classification (germline): Pathogenic (1 of 4 stars; one submission).

Conditions:
Hypophosphatasia. Also called: Phosphoethanol-aminuria. Identifiers: Orphanet 436, MedGen C0020630, MeSH D007014, MONDO:0018570.

Submission:

Genomenon, Inc
Classification: Pathogenic for Hypophosphatasia. Last evaluated: 2025-08-29. Review status: criteria provided, single submitter. Criteria: Genomenon Sequence Variant Interpretation Standards. Collection method: curation. Allele origin: germline. Affected: yes.
Comment: ALPL c.303_311del is an in-frame deletion variant that results in the deletion of a multiple amino acids, from Asparagine at position 102 to Asparagine at position 104. This variant has been observed in at least one proband affected with hypophosphatasia (PMID:26432670;18925618). At least one functional study has demonstrated a substantial alteration in protein function relative to the wild-type (PMID:32160374). It is absent or not present at a significant frequency in gnomAD. In conclusion, we classify ALPL p.Asn102_Asn104del (c.303_311del) as a pathogenic variant.

Literature cited by the submitters: PubMed 26432670; PubMed 18925618; PubMed 32160374.